The following is an entry in ClinVar:

NM_022168.4(IFIH1):c.1078A>T (p.Ile360Leu)

Gene: IFIH1 (interferon induced with helicase C domain 1; minus strand). Cytogenetic location: 2q24.2.
Variant type: single nucleotide variant.
Coding change: c.1078A>T on transcript NM_022168.4 (MANE Select); coding-DNA position 1078, A replaced by T.
Protein change: p.Ile360Leu; replaces isoleucine 360 with leucine.
Molecular consequence: missense variant.
Genome position (GRCh38, 1-based): chr2:162,288,152, T>A on the plus strand (A>T on the coding strand, the complement: IFIH1 is on the minus strand). VCF-style: chr2-162288152-T-A. GRCh37 (hg19) VCF-style: chr2-163144662-T-A.
Other names: short protein forms I360L.
Identifiers: ClinVar variation 5020715 (VCV005020715.1).

ClinVar aggregate classification (germline): Uncertain significance (1 of 4 stars; one submission).

Submission:

Dasa
Classification: Uncertain significance. Last evaluated: 2026-02-03. Review status: criteria provided, single submitter. Criteria: DASA Assertion Criteria. Collection method: clinical testing. Allele origin: germline.
Comment: NM_022168.4(IFIH1):c.1078A>T (p.Ile360Leu) is a missense variant that results in the substitution of isoleucine with leucine. This variant is rare in population databases. Computational prediction algorithms are consistent with a benign effect. The currently available literature and clinical evidence are not sufficient to establish a definitive association between this variant and the reported condition. Therefore, this variant is classified as a variant of uncertain significance.